The following is an entry in ClinVar:

ClinVar aggregate classification (germline): Uncertain significance (1 of 4 stars; one submission).

Conditions:
Predisposition to invasive fungal disease due to CARD9 deficiency (IMD103). Also called: Candidiasis, familial, 2, autosomal recessive; CARD9 IMMUNODEFICIENCY; IMMUNODEFICIENCY 103, SUSCEPTIBILITY TO FUNGAL INFECTIONS. Identifiers: Orphanet 457088, MedGen C1859353, MONDO:0008905, OMIM 212050.

Submission:

Labcorp Genetics (formerly Invitae), Labcorp
Classification: Uncertain significance for Predisposition to invasive fungal disease due to CARD9 deficiency. Last evaluated: 2022-08-05. Review status: criteria provided, single submitter. Criteria: Invitae Variant Classification Sherloc (09022015). Collection method: clinical testing. Allele origin: germline.
Comment: In summary, the available evidence is currently insufficient to determine the role of this variant in disease. Therefore, it has been classified as a Variant of Uncertain Significance. Algorithms developed to predict the effect of missense changes on protein structure and function (SIFT, PolyPhen-2, Align-GVGD) all suggest that this variant is likely to be tolerated. This variant has not been reported in the literature in individuals affected with CARD9-related conditions. This variant is not present in population databases (gnomAD no frequency). This sequence change replaces glutamine, which is neutral and polar, with histidine, which is basic and polar, at codon 517 of the CARD9 protein (p.Gln517His).

NM_052813.5(CARD9):c.1551G>C (p.Gln517His)

Gene: CARD9 (caspase recruitment domain family member 9; minus strand). Cytogenetic location: 9q34.3.
Variant type: single nucleotide variant.
Coding change: c.1551G>C on transcript NM_052813.5 (MANE Select); coding-DNA position 1551, G replaced by C.
Protein change: p.Gln517His; replaces glutamine 517 with histidine.
Molecular consequence: missense variant. On other transcripts: intron variant (1).
Genome position (GRCh38, 1-based): chr9:136,364,362, C>G on the plus strand (G>C on the coding strand, the complement: CARD9 is on the minus strand). VCF-style: chr9-136364362-C-G. GRCh37 (hg19) VCF-style: chr9-139258814-C-G.
Other names: c.1441+191G>C (NM_052814.4); short protein forms Q517H.
Identifiers: ClinVar variation 2143178 (VCV002143178.2), dbSNP rs77469895, ClinGen allele CA375540770.
Genomic context (GRCh38, chr9:136,364,362, plus strand): 5'-CTAGGAGCCCTCAGTGTCGGTGTTGTCGCTGCCCGTGGTGTTCTCCCGGTCCTCCTCCCC[C>G]TGCCGCCATCCTTTCTGCATCTTCCTGAGGGCGCGCTTCCTGTGAAGACAGGTGTCTCAG-3'
Protein context (NP_434700.2, residues 507-527): ALRKMQKGWR[Gln517His]GEEDRENTTG